The following is an entry in ClinVar:

NM_001349338.3(FOXP1):c.1458_1461dup (p.Leu488fs)

Genes: FOXP1 (forkhead box P1; minus strand), LOC126806714 (BRD4-independent group 4 enhancer GRCh37_chr3:71025197-71026396; plus strand). Cytogenetic location: 3p13.
Variant type: Duplication.
Coding change: c.1458_1461dup on transcript NM_001349338.3 (MANE Select); coding-DNA positions 1458 to 1461, 4 bases duplicated (AACA; older notation c.1458_1461dupAACA).
Protein change: p.Leu488fs; shifts the reading frame from leucine 488.
Molecular consequence: frameshift variant. On other transcripts: non-coding transcript variant (2).
Genome position (GRCh38, 1-based): chr3:70,977,010-70,977,013, TGTT duplicated on the plus strand (AACA on the coding strand, the reverse complement: FOXP1 is on the minus strand). VCF-style (leftmost placement, unchanged base first): chr3-70977009-G-GTGTT. GRCh37 (hg19) VCF-style: chr3-71026160-G-GTGTT.
Other names: c.1458_1461dupAACA (NM_032682.5); c.1455_1458dup, p.Leu487fs (NM_001244808.3, NM_001349341.3); c.1458_1461dup, p.Leu488fs (NM_001244810.2, NM_001244814.3, NM_001244816.2 and 2 more transcripts); c.1230_1233dup, p.Leu412fs (NM_001244812.3); c.1158_1161dup, p.Leu388fs (NM_001244813.3, NM_001244815.2, NM_001349342.3); c.1155_1158dup, p.Leu387fs (NM_001349337.2, NM_001349343.3, NM_001349344.3 and 1 more transcripts); c.1458_1461dup (NM_032682.5); short protein forms L387fs, L388fs, L412fs, L487fs, L488fs.
Identifiers: ClinVar variation 984884 (VCV000984884.3), dbSNP rs2037704254, ClinGen allele CA658793153.

ClinVar aggregate classification (germline): Pathogenic (1 of 4 stars; one submission).

Conditions:
Intellectual disability-severe speech delay-mild dysmorphism syndrome (IDDLA). Also called: Mental retardation with language impairment and autistic features; Intellectual developmental disorder with language impairment AND with or without autistic features; FOXP1 Syndrome. Identifiers: Orphanet 391372, MedGen C4013764, MONDO:0013352, OMIM 613670.

Submission:

GeneDx
Classification: Pathogenic. Last evaluated: 2024-08-09. Review status: criteria provided, single submitter. Criteria: GeneDx Variant Classification Process June 2021. Collection method: clinical testing. Allele origin: germline. Affected: yes.
Comment: Frameshift variant predicted to result in protein truncation or nonsense mediated decay in a gene for which loss of function is a known mechanism of disease; Not observed at significant frequency in large population cohorts (gnomAD); This variant is associated with the following publications: (PMID: 33057194, 35982159, 34109629, 31785789)